The following is an entry in ClinVar:

ClinVar aggregate classification (germline): Uncertain significance (1 of 4 stars; one submission).

Conditions:
Carney complex, type 1 (CNC1). Also called: CARNEY MYXOMA-ENDOCRINE COMPLEX; CARNEY COMPLEX, TYPE I. Identifiers: Orphanet 1359, MedGen C2607929, MONDO:0008057, OMIM 160980.

Submission:

Labcorp Genetics (formerly Invitae), Labcorp
Classification: Uncertain significance for Carney complex, type 1. Last evaluated: 2024-05-23. Review status: criteria provided, single submitter. Criteria: Invitae Variant Classification Sherloc (09022015). Collection method: clinical testing. Allele origin: germline.
Comment: This sequence change affects an acceptor splice site in intron 10 of the PRKAR1A gene. While this variant is not anticipated to result in nonsense mediated decay, it likely alters RNA splicing and results in a disrupted protein product. This variant is not present in population databases (gnomAD no frequency). This variant has not been reported in the literature in individuals affected with PRKAR1A-related conditions. Variants that disrupt the consensus splice site are a relatively common cause of aberrant splicing (PMID: 17576681, 9536098). Algorithms developed to predict the effect of sequence changes on RNA splicing suggest that this variant may disrupt the consensus splice site. In summary, the available evidence is currently insufficient to determine the role of this variant in disease. Therefore, it has been classified as a Variant of Uncertain Significance.

Literature cited by the submitters: PubMed 17576681; PubMed 9536098.

NM_002734.5(PRKAR1A):c.974-2A>G

Gene: PRKAR1A (protein kinase cAMP-dependent type I regulatory subunit alpha; plus strand). Cytogenetic location: 17q24.2.
Variant type: single nucleotide variant.
Coding change: c.974-2A>G on transcript NM_002734.5 (MANE Select); the canonical splice acceptor site of the intron before coding-DNA position 974, A replaced by G.
Molecular consequence: splice acceptor variant. On other transcripts: intron variant (1).
Genome position (GRCh38, 1-based): chr17:68,530,275, A>G. VCF-style: chr17-68530275-A-G. GRCh37 (hg19) VCF-style: chr17-66526416-A-G.
Other names: c.974-2A>G (NM_001278433.2, NM_001369389.1, NM_212471.3 and 3 more transcripts); c.973+274A>G (NM_001276290.1).
Identifiers: ClinVar variation 3654342 (VCV003654342.2).